The following is an entry in ClinVar:

ClinVar aggregate classification (germline): Uncertain significance (1 of 4 stars; one submission).

Conditions:
SEMA3E-related disorder. Also called: SEMA3E-related condition.

gnomAD v4.1: 4 of 1,613,714 alleles (0.00025%); highest among the groups gnomAD compares: South Asian, 0.0011%; no homozygotes.

Submission:

PreventionGenetics, part of Exact Sciences
Classification: Uncertain significance for SEMA3E-related condition. Last evaluated: 2024-12-05. Review status: criteria provided, single submitter. Criteria: ACMG Guidelines, 2015. Collection method: clinical testing. Allele origin: germline.
Comment: The SEMA3E c.647A>G variant is predicted to result in the amino acid substitution p.His216Arg. To our knowledge, this variant has not been reported in the literature or in a large population database (gnomAD), indicating this variant is rare. At this time, the clinical significance of this variant is uncertain due to the absence of conclusive functional and genetic evidence.

NM_012431.3(SEMA3E):c.647A>G (p.His216Arg)

Gene: SEMA3E (semaphorin 3E; minus strand). Cytogenetic location: 7q21.11.
Variant type: single nucleotide variant.
Coding change: c.647A>G on transcript NM_012431.3 (MANE Select); coding-DNA position 647, A replaced by G.
Protein change: p.His216Arg; replaces histidine 216 with arginine.
Molecular consequence: missense variant.
Genome position (GRCh38, 1-based): chr7:83,408,391, T>C on the plus strand (A>G on the coding strand, the complement: SEMA3E is on the minus strand). VCF-style: chr7-83408391-T-C. GRCh37 (hg19) VCF-style: chr7-83037707-T-C.
Other names: c.467A>G, p.His156Arg (NM_001178129.2); short protein forms H156R, H216R.
Identifiers: ClinVar variation 5001282 (VCV005001282.1).